The following is an entry in ClinVar:

ClinVar aggregate classification (germline): Conflicting classifications of pathogenicity. Review status: criteria provided, conflicting classifications (1 of 4 stars). 4 submissions from 4 submitters: Uncertain significance (3); Likely benign (1). Last evaluated 2025-08-06.

Conditions:
Hereditary cancer-predisposing syndrome. Also called: Tumor predisposition; Neoplastic Syndromes, Hereditary; Hereditary Cancer Syndrome; Hereditary neoplastic syndrome. Identifiers: Orphanet 140162, MedGen C0027672, MeSH D009386, MONDO:0015356.
POLD1-related polyposis and colorectal cancer syndrome (CRCS10). Also called: Colorectal cancer 10; COLORECTAL CANCER, SUSCEPTIBILITY TO, ON CHROMOSOME 19q; Colorectal cancer, susceptibility to, 10. Identifiers: Orphanet 220460, MedGen C2675481, MONDO:0012953, OMIM 612591.

Allele frequency attached by ClinVar (database versions not stated): gnomAD exomes below 0.00001; gnomAD 0.00001; TOPMed 0.00002.
gnomAD v4.1: 10 of 1,611,002 alleles (0.00062%); highest among the groups gnomAD compares: African/African-American, 0.0053%; no homozygotes.

Submissions (4):

Labcorp Genetics (formerly Invitae), Labcorp
Classification: Uncertain significance for POLD1-related polyposis and colorectal cancer syndrome. Last evaluated: 2025-08-06. Review status: criteria provided, single submitter. Criteria: Invitae Variant Classification Sherloc (09022015). Collection method: clinical testing. Allele origin: germline.
Comment: This sequence change replaces alanine, which is neutral and non-polar, with threonine, which is neutral and polar, at codon 242 of the POLD1 protein (p.Ala242Thr). This variant is present in population databases (no rsID available, gnomAD 0.008%). This variant has not been reported in the literature in individuals affected with POLD1-related conditions. ClinVar contains an entry for this variant (Variation ID: 537076). Invitae Evidence Modeling of protein sequence and biophysical properties (such as structural, functional, and spatial information, amino acid conservation, physicochemical variation, residue mobility, and thermodynamic stability) indicates that this missense variant is not expected to disrupt POLD1 protein function with a negative predictive value of 80%. In summary, the available evidence is currently insufficient to determine the role of this variant in disease. Therefore, it has been classified as a Variant of Uncertain Significance.

GeneDx
Classification: Uncertain significance. Last evaluated: 2025-07-10. Review status: criteria provided, single submitter. Criteria: GeneDx Variant Classification Process June 2021. Collection method: clinical testing. Allele origin: germline. Affected: yes.
Comment: Not observed at significant frequency in large population cohorts (gnomAD); In silico analysis suggests that this missense variant does not alter protein structure/function; Has not been previously published as pathogenic or benign to our knowledge

Ambry Genetics
Classification: Likely benign for Hereditary cancer-predisposing syndrome. Last evaluated: 2024-12-11. Review status: criteria provided, single submitter. Criteria: Ambry Variant Classification Scheme 2023. Collection method: clinical testing. Allele origin: germline.

Quest Diagnostics Nichols Institute San Juan Capistrano
Classification: Uncertain significance. Last evaluated: 2017-12-20. Review status: criteria provided, single submitter. Criteria: Quest Diagnostics criteria. Collection method: clinical testing. Allele origin: germline.

NM_002691.4(POLD1):c.724G>A (p.Ala242Thr)

Gene: POLD1 (DNA polymerase delta 1, catalytic subunit; plus strand). Cytogenetic location: 19q13.33.
Variant type: single nucleotide variant.
Coding change: c.724G>A on transcript NM_002691.4 (MANE Select); coding-DNA position 724, G replaced by A.
Protein change: p.Ala242Thr; replaces alanine 242 with threonine.
Molecular consequence: missense variant. On other transcripts: non-coding transcript variant (1).
Genome position (GRCh38, 1-based): chr19:50,402,339, G>A. VCF-style: chr19-50402339-G-A. GRCh37 (hg19) VCF-style: chr19-50905596-G-A.
Other names: c.724G>A, p.Ala242Thr (NM_001256849.1, NM_001308632.1); c.724G>A (NM_002691.2); short protein forms A242T.
Identifiers: ClinVar variation 537076 (VCV000537076.10), dbSNP rs910905700, ClinGen allele CA309599602.